The following is an entry in ClinVar:

NM_004519.4(KCNQ3):c.2506G>A (p.Gly836Ser)

Gene: KCNQ3 (potassium voltage-gated channel subfamily Q member 3; minus strand). Cytogenetic location: 8q24.22.
Variant type: single nucleotide variant.
Coding change: c.2506G>A on transcript NM_004519.4 (MANE Select); coding-DNA position 2506, G replaced by A.
Protein change: p.Gly836Ser; replaces glycine 836 with serine.
Molecular consequence: missense variant.
Genome position (GRCh38, 1-based): chr8:132,129,375, C>T on the plus strand (G>A on the coding strand, the complement: KCNQ3 is on the minus strand). VCF-style: chr8-132129375-C-T. GRCh37 (hg19) VCF-style: chr8-133141622-C-T.
Other names: c.2506G>A (NM_004519.3); c.2146G>A, p.Gly716Ser (NM_001204824.2); short protein forms G836S, G716S.
Identifiers: ClinVar variation 1475620 (VCV001475620.9), dbSNP rs1245552106, ClinGen allele CA372215698.

ClinVar aggregate classification (germline): Uncertain significance. Review status: criteria provided, multiple submitters, no conflicts (2 of 4 stars). 2 submissions from 2 submitters: Uncertain significance (2). Last evaluated 2023-03-14.

Conditions:
Inborn genetic diseases. Identifiers: MedGen C0950123, MeSH D030342.
Benign neonatal seizures. Also called: Benign neonatal familial convulsions; Convulsions benign familial neonatal dominant form; Autosomal dominant form of benign neonatal seizures; Benign familial neonatal epilepsy; Benign familial neonatal seizures. Identifiers: Orphanet 1949, MedGen C0220669, MONDO:0016027.

Allele frequency attached by ClinVar (database versions not stated): gnomAD exomes below 0.00001; gnomAD 0.00001; TOPMed 0.00002.
gnomAD v4.1: 4 of 1,614,084 alleles (0.00025%); highest among the groups gnomAD compares: Non-Finnish European, 0.00034%; no homozygotes.

Submissions (2):

Labcorp Genetics (formerly Invitae), Labcorp
Classification: Uncertain significance for Benign neonatal seizures. Last evaluated: 2023-03-14. Review status: criteria provided, single submitter. Criteria: Invitae Variant Classification Sherloc (09022015). Collection method: clinical testing. Allele origin: germline.
Comment: In summary, the available evidence is currently insufficient to determine the role of this variant in disease. Therefore, it has been classified as a Variant of Uncertain Significance. Advanced modeling of protein sequence and biophysical properties (such as structural, functional, and spatial information, amino acid conservation, physicochemical variation, residue mobility, and thermodynamic stability) has been performed at Invitae for this missense variant, however the output from this modeling did not meet the statistical confidence thresholds required to predict the impact of this variant on KCNQ3 protein function. ClinVar contains an entry for this variant (Variation ID: 1475620). This variant has not been reported in the literature in individuals affected with KCNQ3-related conditions. This sequence change replaces glycine, which is neutral and non-polar, with serine, which is neutral and polar, at codon 836 of the KCNQ3 protein (p.Gly836Ser). This variant is not present in population databases (gnomAD no frequency).

Ambry Genetics
Classification: Uncertain significance for Inborn genetic diseases. Last evaluated: 2021-04-20. Review status: criteria provided, single submitter. Criteria: Ambry Variant Classification Scheme 2023. Collection method: clinical testing. Allele origin: germline.
Comment: The c.2506G>A (p.G836S) alteration is located in exon 15 (coding exon 15) of the KCNQ3 gene. This alteration results from a G to A substitution at nucleotide position 2506, causing the glycine (G) at amino acid position 836 to be replaced by a serine (S). The in silico prediction for the p.G836S alteration is inconclusive. Based on insufficient or conflicting evidence, the clinical significance of this alteration remains unclear.